The following is an entry in ClinVar:

NM_003631.5(PARG):c.2639G>A (p.Arg880Lys)

Gene: PARG (poly(ADP-ribose) glycohydrolase; minus strand). Cytogenetic location: 10q11.23.
Variant type: single nucleotide variant.
Coding change: c.2639G>A on transcript NM_003631.5 (MANE Select); coding-DNA position 2639, G replaced by A.
Protein change: p.Arg880Lys; replaces arginine 880 with lysine.
Molecular consequence: missense variant. On other transcripts: non-coding transcript variant (7).
Genome position (GRCh38, 1-based): chr10:49,832,811, C>T on the plus strand (G>A on the coding strand, the complement: PARG is on the minus strand). VCF-style: chr10-49832811-C-T. GRCh37 (hg19) VCF-style: chr10-51040857-C-T.
Other names: c.2393G>A, p.Arg798Lys (NM_001303486.3, NM_001324381.3); c.2315G>A, p.Arg772Lys (NM_001303487.3); c.1397G>A, p.Arg466Lys (NM_001303489.3); short protein forms R772K, R466K, R798K, R880K.
Identifiers: ClinVar variation 3885658 (VCV003885658.1).

ClinVar aggregate classification (germline): Uncertain significance (1 of 4 stars; one submission).

Submission:

Ambry Genetics
Classification: Uncertain significance. Last evaluated: 2025-02-05. Review status: criteria provided, single submitter. Criteria: Ambry Variant Classification Scheme 2023. Collection method: clinical testing. Allele origin: germline.
Comment: The c.2639G>A (p.R880K) alteration is located in exon (coding exon ) of the PARG gene. This alteration results from a G to A substitution at nucleotide position 2639, causing the arginine (R) at amino acid position 880 to be replaced by a lysine (K). Based on insufficient or conflicting evidence, the clinical significance of this alteration remains unclear.